The following is an entry in ClinVar:

ClinVar aggregate classification (germline): Uncertain significance (1 of 4 stars; one submission).

Conditions:
Osteogenesis imperfecta type 7 (OI7). Also called: OI type 7; OI type VII; OSTEOGENESIS IMPERFECTA, TYPE IIB; Osteogenesis imperfecta type 2B; OI type 2B; Osteogenesis imperfecta, perinatal lethal autosomal recessive. Identifiers: MedGen C1853162, MONDO:0012536, OMIM 610682.

Allele frequency attached by ClinVar (database versions not stated): ExAC 0.00002.

Submission:

Labcorp Genetics (formerly Invitae), Labcorp
Classification: Uncertain significance for Osteogenesis imperfecta type 7. Last evaluated: 2024-12-02. Review status: criteria provided, single submitter. Criteria: Invitae Variant Classification Sherloc (09022015). Collection method: clinical testing. Allele origin: germline.
Comment: This sequence change replaces leucine, which is neutral and non-polar, with proline, which is neutral and non-polar, at codon 371 of the CRTAP protein (p.Leu371Pro). This variant is present in population databases (rs768690771, gnomAD 0.01%). This variant has not been reported in the literature in individuals affected with CRTAP-related conditions. ClinVar contains an entry for this variant (Variation ID: 2036923). Invitae Evidence Modeling of protein sequence and biophysical properties (such as structural, functional, and spatial information, amino acid conservation, physicochemical variation, residue mobility, and thermodynamic stability) indicates that this missense variant is expected to disrupt CRTAP protein function with a positive predictive value of 80%. In summary, the available evidence is currently insufficient to determine the role of this variant in disease. Therefore, it has been classified as a Variant of Uncertain Significance.

NM_006371.5(CRTAP):c.1112T>C (p.Leu371Pro)

Gene: CRTAP (cartilage associated protein; plus strand). Cytogenetic location: 3p22.3.
Variant type: single nucleotide variant.
Coding change: c.1112T>C on transcript NM_006371.5 (MANE Select); coding-DNA position 1112, T replaced by C.
Protein change: p.Leu371Pro; replaces leucine 371 with proline.
Molecular consequence: missense variant. On other transcripts: intron variant (1).
Genome position (GRCh38, 1-based): chr3:33,134,225, T>C. VCF-style: chr3-33134225-T-C. GRCh37 (hg19) VCF-style: chr3-33175717-T-C.
Other names: c.983T>C, p.Leu328Pro (NM_001393364.1); c.962T>C, p.Leu321Pro (NM_001393365.1); c.1068+1525T>C (NM_001393363.1); short protein forms L371P, L321P, L328P.
Identifiers: ClinVar variation 2036923 (VCV002036923.4), dbSNP rs768690771, ClinGen allele CA2300494.